The following is an entry in ClinVar:

ClinVar aggregate classification (germline): Likely benign (1 of 4 stars; one submission).

gnomAD v4.1: 66 of 1,571,714 alleles (0.0042%); highest among the groups gnomAD compares: Non-Finnish European, 0.0052%; no homozygotes.

Submission:

CeGaT Center for Human Genetics Tuebingen
Classification: Likely benign. Last evaluated: 2025-11-01. Review status: criteria provided, single submitter. Criteria: CeGaT Center For Human Genetics Tuebingen Variant Classification Criteria Version 2. Collection method: clinical testing. Allele origin: germline. Affected: yes. Observed: 1 variant allele.
Comment: NBEA: BP4, BS2

NM_001385012.1(NBEA):c.7663A>G (p.Thr2555Ala)

Gene: NBEA (neurobeachin; plus strand). Cytogenetic location: 13q13.3.
Variant type: single nucleotide variant.
Coding change: c.7663A>G on transcript NM_001385012.1 (MANE Select); coding-DNA position 7663, A replaced by G.
Protein change: p.Thr2555Ala; replaces threonine 2555 with alanine.
Molecular consequence: missense variant. On other transcripts: intron variant (2).
Genome position (GRCh38, 1-based): chr13:35,645,914, A>G. VCF-style: chr13-35645914-A-G. GRCh37 (hg19) VCF-style: chr13-36220051-A-G.
Other names: c.7654A>G, p.Thr2552Ala (NM_001379245.1); c.7618-345A>G (NM_015678.5); c.997-345A>G (NM_001204197.3); short protein forms T2552A, T2555A.
Identifiers: ClinVar variation 4533991 (VCV004533991.6).